The following is an entry in ClinVar:

NM_000257.4(MYH7):c.3545C>A (p.Thr1182Lys)

Gene: MYH7 (myosin heavy chain 7; minus strand). Cytogenetic location: 14q11.2.
Variant type: single nucleotide variant.
Coding change: c.3545C>A on transcript NM_000257.4 (MANE Select); coding-DNA position 3545, C replaced by A.
Protein change: p.Thr1182Lys; replaces threonine 1182 with lysine.
Molecular consequence: missense variant.
Genome position (GRCh38, 1-based): chr14:23,420,026, G>T on the plus strand (C>A on the coding strand, the complement: MYH7 is on the minus strand). VCF-style: chr14-23420026-G-T. GRCh37 (hg19) VCF-style: chr14-23889235-G-T.
Other names: c.3545C>A, p.Thr1182Lys (NM_001407004.1); short protein forms T1182K.
Identifiers: ClinVar variation 3894327 (VCV003894327.1).

ClinVar aggregate classification (germline): Uncertain significance (1 of 4 stars; one submission).

Conditions:
Cardiomyopathy (CMYO). Also called: Cardiomyopathies. Identifiers: Orphanet 167848, MedGen C0878544, MONDO:0004994, HP:0001638. Inheritance: Various modes of inheritance.

Submission:

Color Diagnostics, LLC DBA Color Health
Classification: Uncertain significance for Cardiomyopathy. Last evaluated: 2023-12-05. Review status: criteria provided, single submitter. Criteria: ACMG Guidelines, 2015. Collection method: clinical testing. Allele origin: germline.
Comment: This missense variant replaces threonine with lysine at codon 1182 of the MYH7 protein. Computational prediction tools and conservation analyses suggest that this variant may have deleterious impact on the protein function. Computational splicing tools suggest that this variant may not impact RNA splicing. To our knowledge, functional assays have not been performed for this variant nor has this variant been reported in individuals affected with cardiovascular disorders in the literature. This variant has not been identified in the general population by the Genome Aggregation Database (gnomAD). Available evidence is insufficient to determine the role of this variant in disease conclusively. Therefore, this variant is classified as a Variant of Uncertain Significance.